The following is an entry in ClinVar:

ClinVar aggregate classification (germline): Uncertain significance (1 of 4 stars; one submission).

Allele frequency attached by ClinVar (database versions not stated): gnomAD 0.00001; TOPMed 0.00001.
gnomAD v4.1: 1 of 1,613,936 alleles (0.000062%); highest among the groups gnomAD compares: African/African-American, 0.0013%; no homozygotes.

Submission:

Labcorp Genetics (formerly Invitae), Labcorp
Classification: Uncertain significance. Last evaluated: 2022-10-13. Review status: criteria provided, single submitter. Criteria: Invitae Variant Classification Sherloc (09022015). Collection method: clinical testing. Allele origin: germline.
Comment: This sequence change replaces valine, which is neutral and non-polar, with isoleucine, which is neutral and non-polar, at codon 273 of the EIF2B1 protein (p.Val273Ile). This variant is not present in population databases (gnomAD no frequency). This variant has not been reported in the literature in individuals affected with EIF2B1-related conditions. Advanced modeling of protein sequence and biophysical properties (such as structural, functional, and spatial information, amino acid conservation, physicochemical variation, residue mobility, and thermodynamic stability) performed at Invitae indicates that this missense variant is not expected to disrupt EIF2B1 protein function. In summary, the available evidence is currently insufficient to determine the role of this variant in disease. Therefore, it has been classified as a Variant of Uncertain Significance.

NM_001414.4(EIF2B1):c.817G>A (p.Val273Ile)

Genes: EIF2B1 (eukaryotic translation initiation factor 2B subunit alpha; minus strand), LOC126861664 (CDK7 strongly-dependent group 2 enhancer GRCh37_chr12:124105924-124107123; plus strand). Cytogenetic location: 12q24.31.
Variant type: single nucleotide variant.
Coding change: c.817G>A on transcript NM_001414.4 (MANE Select); coding-DNA position 817, G replaced by A.
Protein change: p.Val273Ile; replaces valine 273 with isoleucine.
Molecular consequence: missense variant.
Genome position (GRCh38, 1-based): chr12:123,621,857, C>T on the plus strand (G>A on the coding strand, the complement: EIF2B1 is on the minus strand). VCF-style: chr12-123621857-C-T. GRCh37 (hg19) VCF-style: chr12-124106404-C-T.
Other names: short protein forms V273I.
Identifiers: ClinVar variation 1906251 (VCV001906251.2), dbSNP rs1299107352, ClinGen allele CA387138333.